The following is an entry in ClinVar:

NM_001018115.3(FANCD2):c.2610G>C (p.Arg870Ser)

Genes: FANCD2 (FA complementation group D2; plus strand), LOC107303338 (3p25 FANCD2 Alu-mediated recombination region; plus strand). Cytogenetic location: 3p25.3.
Variant type: single nucleotide variant.
Coding change: c.2610G>C on transcript NM_001018115.3 (MANE Select); coding-DNA position 2610, G replaced by C.
Protein change: p.Arg870Ser; replaces arginine 870 with serine.
Molecular consequence: missense variant.
Genome position (GRCh38, 1-based): chr3:10,073,257, G>C. VCF-style: chr3-10073257-G-C. GRCh37 (hg19) VCF-style: chr3-10114941-G-C.
Other names: c.2610G>C, p.Arg870Ser (NM_001319984.2, NM_001374254.1, NM_033084.6); c.2499G>C, p.Arg833Ser (NM_001374253.1); short protein forms R833S, R870S.
Identifiers: ClinVar variation 2730688 (VCV002730688.3), dbSNP rs2469993565, ClinGen allele CA351742243.

ClinVar aggregate classification (germline): Uncertain significance (1 of 4 stars; one submission).

Conditions:
Fanconi anemia (FA). Also called: Fanconi's anemia. Identifiers: Orphanet 84, MedGen C0015625, MeSH D005199, MONDO:0019391.

Submission:

Labcorp Genetics (formerly Invitae), Labcorp
Classification: Uncertain significance for Fanconi anemia. Last evaluated: 2023-06-27. Review status: criteria provided, single submitter. Criteria: Invitae Variant Classification Sherloc (09022015). Collection method: clinical testing. Allele origin: germline.
Comment: This variant has not been reported in the literature in individuals affected with FANCD2-related conditions. This variant is not present in population databases (gnomAD no frequency). This sequence change replaces arginine, which is basic and polar, with serine, which is neutral and polar, at codon 870 of the FANCD2 protein (p.Arg870Ser). Advanced modeling of protein sequence and biophysical properties (such as structural, functional, and spatial information, amino acid conservation, physicochemical variation, residue mobility, and thermodynamic stability) performed at Invitae indicates that this missense variant is not expected to disrupt FANCD2 protein function. In summary, the available evidence is currently insufficient to determine the role of this variant in disease. Therefore, it has been classified as a Variant of Uncertain Significance.